The following is an entry in ClinVar:

NM_024422.6(DSC2):c.475-3T>C

Gene: DSC2 (desmocollin 2; minus strand). Cytogenetic location: 18q12.1.
Variant type: single nucleotide variant.
Coding change: c.475-3T>C on transcript NM_024422.6 (MANE Select); 3 bases into the intron before coding-DNA position 475, T replaced by C.
Molecular consequence: intron variant.
Genome position (GRCh38, 1-based): chr18:31,089,597, A>G on the plus strand (T>C on the coding strand, the complement: DSC2 is on the minus strand). VCF-style: chr18-31089597-A-G. GRCh37 (hg19) VCF-style: chr18-28669560-A-G.
Other names: c.475-3T>C (NM_004949.5).
Identifiers: ClinVar variation 926592 (VCV000926592.4), dbSNP rs1987524919, ClinGen allele CA913189072.

ClinVar aggregate classification (germline): Conflicting classifications of pathogenicity. Review status: criteria provided, conflicting classifications (1 of 4 stars). 2 submissions from 2 submitters: Uncertain significance (1); Likely benign (1). Last evaluated 2024-11-24.

Conditions:
Arrhythmogenic right ventricular dysplasia 11. Also called: ARRHYTHMOGENIC RIGHT VENTRICULAR DYSPLASIA, FAMILIAL, 11; Arrhythmogenic Right Ventricular Dysplasia/Cardiomyopathy11; Arrhythmogenic right ventricular dysplasia 11 with mild palmoplantar keratoderma and woolly hair. Identifiers: MedGen C1864850, MONDO:0012506, OMIM 610476.
Cardiomyopathy (CMYO). Also called: Cardiomyopathies. Identifiers: Orphanet 167848, MedGen C0878544, MONDO:0004994, HP:0001638. Inheritance: Various modes of inheritance.

Allele frequency attached by ClinVar (database versions not stated): gnomAD exomes below 0.00001.
gnomAD v4.1: 1 of 1,613,138 alleles (0.000062%); highest among the groups gnomAD compares: Non-Finnish European, 0.000085%; no homozygotes.

Submissions (2):

Labcorp Genetics (formerly Invitae), Labcorp
Classification: Uncertain significance for Arrhythmogenic right ventricular dysplasia 11. Last evaluated: 2024-11-24. Review status: criteria provided, single submitter. Criteria: Invitae Variant Classification Sherloc (09022015). Collection method: clinical testing. Allele origin: germline.
Comment: This sequence change falls in intron 4 of the DSC2 gene. It does not directly change the encoded amino acid sequence of the DSC2 protein. It affects a nucleotide within the consensus splice site. This variant is not present in population databases (gnomAD no frequency). This variant has not been reported in the literature in individuals affected with DSC2-related conditions. ClinVar contains an entry for this variant (Variation ID: 926592). Variants that disrupt the consensus splice site are a relatively common cause of aberrant splicing (PMID: 17576681, 9536098). Algorithms developed to predict the effect of sequence changes on RNA splicing suggest that this variant is not likely to affect RNA splicing. In summary, the available evidence is currently insufficient to determine the role of this variant in disease. Therefore, it has been classified as a Variant of Uncertain Significance.

Color Diagnostics, LLC DBA Color Health
Classification: Likely benign for Cardiomyopathy. Last evaluated: 2019-04-20. Review status: criteria provided, single submitter. Criteria: ACMG Guidelines, 2015. Collection method: clinical testing. Allele origin: germline.

Literature cited by the submitters: PubMed 17576681 (cited by Labcorp Genetics (formerly Invitae), Labcorp); PubMed 9536098 (cited by Labcorp Genetics (formerly Invitae), Labcorp).